The following is an entry in ClinVar:

NM_000292.3(PHKA2):c.893G>C (p.Arg298Pro)

Gene: PHKA2 (phosphorylase kinase regulatory subunit alpha 2; minus strand). Cytogenetic location: Xp22.13.
Variant type: single nucleotide variant.
Coding change: c.893G>C on transcript NM_000292.3 (MANE Select); coding-DNA position 893, G replaced by C.
Protein change: p.Arg298Pro; replaces arginine 298 with proline.
Molecular consequence: missense variant.
Genome position (GRCh38, 1-based): chrX:18,940,020, C>G on the plus strand (G>C on the coding strand, the complement: PHKA2 is on the minus strand). VCF-style: chrX-18940020-C-G. GRCh37 (hg19) VCF-style: chrX-18958138-C-G.
Other names: short protein forms R298P.
Identifiers: ClinVar variation 1026764 (VCV001026764.8), dbSNP rs1359540820, ClinGen allele CA412397398.
Genomic context (GRCh38, chrX:18,940,020, plus strand): 5'-TTGAGGAAAGATAAGAAACAATATTTAAATACAACCTCTCTTGGAGTTTTATAACCATCT[C>G]GAAGGAAGCGACAGCATCCATAACGCCCCTAATAAGAGAAAGTACATTCGATGAGCTCAG-3'
Protein context (NP_000283.1, residues 288-308): QGRYGCCRFL[Arg298Pro]DGYKTPREDP

ClinVar aggregate classification (germline): Pathogenic (1 of 4 stars; one submission).

Conditions:
Glycogen storage disease IXa1. Also called: LIVER GLYCOGENOSIS, X-LINKED, TYPE I; GLYCOGEN STORAGE DISEASE VIII; GSD VIII; Glycogen storage disease 8. Identifiers: Orphanet 264580, MedGen C3694531, MONDO:0010598, OMIM 306000.

Submission:

Labcorp Genetics (formerly Invitae), Labcorp
Classification: Pathogenic for Glycogen storage disease IXa1. Last evaluated: 2024-03-04. Review status: criteria provided, single submitter. Criteria: Invitae Variant Classification Sherloc (09022015). Collection method: clinical testing. Allele origin: germline.
Comment: This sequence change replaces arginine, which is basic and polar, with proline, which is neutral and non-polar, at codon 298 of the PHKA2 protein (p.Arg298Pro). This variant is not present in population databases (gnomAD no frequency). This missense change has been observed in individual(s) with clinical features of glycogen storage disease (PMID: 21857251, 26944031; Invitae). In at least one individual the variant was observed to be de novo. ClinVar contains an entry for this variant (Variation ID: 1026764). Advanced modeling of protein sequence and biophysical properties (such as structural, functional, and spatial information, amino acid conservation, physicochemical variation, residue mobility, and thermodynamic stability) performed at Invitae indicates that this missense variant is expected to disrupt PHKA2 protein function with a positive predictive value of 80%. Algorithms developed to predict the effect of sequence changes on RNA splicing suggest that this variant may disrupt the consensus splice site. For these reasons, this variant has been classified as Pathogenic.

Literature cited by the submitters: PubMed 21857251; PubMed 26944031.